The following is an entry in ClinVar:

ClinVar aggregate classification (germline): Uncertain significance (1 of 4 stars; one submission).

Conditions:
Intellectual developmental disorder, autosomal dominant 6, with or without seizures. Also called: GRIN2B-related developmental delay, intellectual disability and autism spectrum disorder; Intellectual disability, autosomal dominant 6. Identifiers: Orphanet 589547, MedGen C3151411, MONDO:0013509, OMIM 613970.
Developmental and epileptic encephalopathy, 27 (DEE27). Also called: Epileptic encephalopathy, early infantile, 27; GRIN2B-Related Neurodevelopmental Disorder. Identifiers: Orphanet 3451, MedGen C4015316, MONDO:0014505, OMIM 616139.

Submission:

Labcorp Genetics (formerly Invitae), Labcorp
Classification: Uncertain significance for Developmental and epileptic encephalopathy, 27; Intellectual developmental disorder, autosomal dominant 6, with or without seizures. Last evaluated: 2023-05-20. Review status: criteria provided, single submitter. Criteria: Invitae Variant Classification Sherloc (09022015). Collection method: clinical testing. Allele origin: germline.
Comment: In summary, the available evidence is currently insufficient to determine the role of this variant in disease. Therefore, it has been classified as a Variant of Uncertain Significance. Experimental studies and prediction algorithms are not available or were not evaluated, and the functional significance of this variant is currently unknown. This variant has not been reported in the literature in individuals affected with GRIN2B-related conditions. This variant is present in population databases (rs781740648, gnomAD 0.0009%). This variant, c.2866_2868del, results in the deletion of 1 amino acid(s) of the GRIN2B protein (p.Glu956del), but otherwise preserves the integrity of the reading frame.

NM_000834.5(GRIN2B):c.2863GAG[1] (p.Glu956del)

Gene: GRIN2B (glutamate ionotropic receptor NMDA type subunit 2B; minus strand). Cytogenetic location: 12p13.1.
Variant type: Microsatellite.
Coding change: c.2863GAG[1] on transcript NM_000834.5 (MANE Select); one copy of the 3-base unit GAG starting at c.2863; the reference has two copies in a row; one copy, 3 bases deleted.
Protein change: p.Glu956del; deletes glutamic acid 956.
Molecular consequence: inframe deletion.
Genome position (GRCh38, 1-based): chr12:13,564,370-13,564,372, CTC deleted on the plus strand (GAG on the coding strand, the reverse complement: GRIN2B is on the minus strand); deleting any 3 consecutive bases within chr12:13,564,370-13,564,375 gives the same sequence; the position shown is the placement nearest the transcript's 3' end. VCF-style (leftmost placement, unchanged base first): chr12-13564369-TCTC-T. GRCh37 (hg19) VCF-style: chr12-13717303-TCTC-T.
Other names: c.2863GAG[1], p.Glu956del (NM_001413992.1); short protein forms E956del.
Identifiers: ClinVar variation 2926628 (VCV002926628.3), dbSNP rs781740648, ClinGen allele CA6460970.